The following is an entry in ClinVar:

NM_002299.4(LCT):c.745G>A (p.Asp249Asn)

Gene: LCT (lactase; minus strand). Cytogenetic location: 2q21.3.
Variant type: single nucleotide variant.
Coding change: c.745G>A on transcript NM_002299.4 (MANE Select); coding-DNA position 745, G replaced by A.
Protein change: p.Asp249Asn; replaces aspartic acid 249 with asparagine.
Molecular consequence: missense variant.
Genome position (GRCh38, 1-based): chr2:135,829,652, C>T on the plus strand (G>A on the coding strand, the complement: LCT is on the minus strand). VCF-style: chr2-135829652-C-T. GRCh37 (hg19) VCF-style: chr2-136587222-C-T.
Other names: short protein forms D249N.
Identifiers: ClinVar variation 1967808 (VCV001967808.3), dbSNP rs543993758, ClinGen allele CA1888541.
Genomic context (GRCh38, chr2:135,829,652, plus strand): 5'-CCTGCAATTTACTCAGCTTCTGCCGCAGACTTGCCTCATTTTGGCATTCATAAGACAAAT[C>T]AAGAGAGAGGAAATCGACCGTGTCCTGAAAATAGTAGTTAAATAGGGTCATTAGAACCTA-3'
Protein context (NP_002290.2, residues 239-259): AQDTVDFLSL[Asp249Asn]LSYECQNEAS

ClinVar aggregate classification (germline): Uncertain significance. Review status: criteria provided, multiple submitters, no conflicts (2 of 4 stars). 2 submissions from 2 submitters: Uncertain significance (2). Last evaluated 2022-11-08.

Conditions:
Inborn genetic diseases. Identifiers: MedGen C0950123, MeSH D030342.

Allele frequency attached by ClinVar (database versions not stated): TOPMed 0.00001; gnomAD 0.00003; gnomAD exomes 0.00003; ExAC 0.00007; 1000 Genomes Project 30x 0.00031; 1000 Genomes Project 0.00040.
gnomAD v4.1: 50 of 1,612,864 alleles (0.0031%); highest among the groups gnomAD compares: South Asian, 0.047%; no homozygotes.

Submissions (2):

Ambry Genetics
Classification: Uncertain significance for Inborn genetic diseases. Last evaluated: 2022-11-08. Review status: criteria provided, single submitter. Criteria: Ambry Variant Classification Scheme 2023. Collection method: clinical testing. Allele origin: germline.

Labcorp Genetics (formerly Invitae), Labcorp
Classification: Uncertain significance. Last evaluated: 2022-02-11. Review status: criteria provided, single submitter. Criteria: Invitae Variant Classification Sherloc (09022015). Collection method: clinical testing. Allele origin: germline.
Comment: This sequence change replaces aspartic acid, which is acidic and polar, with asparagine, which is neutral and polar, at codon 249 of the LCT protein (p.Asp249Asn). This variant is present in population databases (rs543993758, gnomAD 0.06%). This variant has not been reported in the literature in individuals affected with LCT-related conditions. Algorithms developed to predict the effect of missense changes on protein structure and function are either unavailable or do not agree on the potential impact of this missense change (SIFT: "Not Available"; PolyPhen-2: "Benign"; Align-GVGD: "Not Available"). In summary, the available evidence is currently insufficient to determine the role of this variant in disease. Therefore, it has been classified as a Variant of Uncertain Significance.